The following is an entry in ClinVar:

NM_001037333.3(CYFIP2):c.3304T>G (p.Tyr1102Asp)

Genes: CYFIP2 (cytoplasmic FMR1 interacting protein 2; plus strand), NIPAL4-DT (NIPAL4 divergent transcript; minus strand). Cytogenetic location: 5q33.3.
Variant type: single nucleotide variant.
Coding change: c.3304T>G on transcript NM_001037333.3 (MANE Select); coding-DNA position 3304, T replaced by G.
Protein change: p.Tyr1102Asp; replaces tyrosine 1102 with aspartic acid.
Molecular consequence: missense variant.
Genome position (GRCh38, 1-based): chr5:157,389,285, T>G. VCF-style: chr5-157389285-T-G. GRCh37 (hg19) VCF-style: chr5-156816293-T-G.
Other names: c.3226T>G, p.Tyr1076Asp (NM_001291721.2); c.3379T>G, p.Tyr1127Asp (NM_001291722.2); c.3304T>G, p.Tyr1102Asp (NM_014376.4); short protein forms Y1076D, Y1102D, Y1127D.
Identifiers: ClinVar variation 4976222 (VCV004976222.1).
Genomic context (GRCh38, chr5:157,389,285, plus strand): 5'-AAGGAGCGGCTGTGCTGTGGCCTGTCCATGTTCGAGGTCATCCTGACCCGCATTCGGAGC[T>G]ACCTGCAGGACCCCATCTGGCGGGGCCCACCGCCCACCAATGGCGTCATGCACGTCGATG-3'
Protein context (NP_001032410.1, residues 1092-1112): FEVILTRIRS[Tyr1102Asp]LQDPIWRGPP

ClinVar aggregate classification (germline): Uncertain significance (1 of 4 stars; one submission).

Submission:

GeneDx
Classification: Uncertain significance. Last evaluated: 2026-02-12. Review status: criteria provided, single submitter. Criteria: GeneDx Variant Classification Process June 2021. Collection method: clinical testing. Allele origin: germline.
Comment: Not observed at significant frequency in large population cohorts (gnomAD); In silico analysis supports that this missense variant has a deleterious effect on protein structure/function; Has not been previously published as pathogenic or benign to our knowledge